The following is an entry in ClinVar:

NM_000071.3(CBS):c.1358+1G>A

Gene: CBS (cystathionine beta-synthase; minus strand). Cytogenetic location: 21q22.3.
Variant type: single nucleotide variant.
Coding change: c.1358+1G>A on transcript NM_000071.3 (MANE Select); the canonical splice donor site of the intron after coding-DNA position 1358, G replaced by A.
Molecular consequence: splice donor variant.
Genome position (GRCh38, 1-based): chr21:43,058,833, C>T on the plus strand (G>A on the coding strand, the complement: CBS is on the minus strand). VCF-style: chr21-43058833-C-T. GRCh37 (hg19) VCF-style: chr21-44478943-C-T.
Other names: c.1358+1G>A (NM_001320298.2, NM_001178009.3, NM_001178008.3); c.1043+1G>A (NM_001321072.1).
Identifiers: ClinVar variation 189081 (VCV000189081.15), dbSNP rs786204679, ClinGen allele CA274355.
Genomic context (GRCh38, chr21:43,058,833, plus strand): 5'-ACGGGGTGGAGCTGGGCAGACAGAACCCAGGACTGAGCTCTGAGCAGGGGCTGAGACTGA[C>T]CCCGCCTCATCCACCACGGGCGCCTGGTCGAAGCCCTTCTCCCGGAGGATCTCGATGGTG-3'

ClinVar aggregate classification (germline): Pathogenic. Review status: criteria provided, multiple submitters, no conflicts (2 of 4 stars). 3 submissions from 3 submitters: Pathogenic (2). 1 of the submissions does not count toward it. Last evaluated 2026-01-12.

Conditions:
Classic homocystinuria. Also called: Homocystinuria due to Cystathionine Beta-Synthase Deficiency; Homocystinuria due to CBS deficiency; Cystathionine beta-synthase deficiency; CBS deficiency; HOMOCYSTINURIA WITH OR WITHOUT RESPONSE TO PYRIDOXINE. Identifiers: Orphanet 394, MedGen C0751202, MONDO:0009352, OMIM 236200.
HYPERHOMOCYSTEINEMIA, THROMBOTIC, CBS-RELATED. Identifiers: MedGen C3150344, OMIM 236200.

Submissions (3):

Natera, Inc.
Classification: Pathogenic for Homocystinuria due to cystathionine beta-synthase deficiency. Last evaluated: 2026-01-12. Review status: criteria provided, single submitter. Criteria: Natera Variant Classification Schema (03/2026). Collection method: clinical testing. Allele origin: germline.
Comment: The c.1358+1G>A variant in CBS is a canonical splice donor site variant predicted to affect pre-mRNA splicing, which may result in an abnormal transcript and altered protein product. This variant is expected to result in nonsense mediated decay, truncation, or a dysfunctional protein product. This variant is rare in the general population with a frequency below the threshold expected for the associated phenotype(s). This variant has been observed in one or more individuals affected with the associated recessive disease, as either homozygous or compound heterozygous with a second variant (PMID: 24211323, 9232191). Additionally, this variant has been observed to segregate in affected family members (PMID: 9232191). Functional studies show that this variant may disrupt protein function (PMID: 9232191). Given the available evidence, this variant is classified as Pathogenic.

Labcorp Genetics (formerly Invitae), Labcorp
Classification: Pathogenic for HYPERHOMOCYSTEINEMIA, THROMBOTIC, CBS-RELATED. Last evaluated: 2025-09-14. Review status: criteria provided, single submitter. Criteria: Invitae Variant Classification Sherloc (09022015). Collection method: clinical testing. Allele origin: germline.
Comment: This sequence change affects a donor splice site in intron 14 of the CBS gene. It is expected to disrupt RNA splicing. Variants that disrupt the donor or acceptor splice site typically lead to a loss of protein function (PMID: 16199547), and loss-of-function variants in CBS are known to be pathogenic (PMID: 10338090, 12124992). This variant is not present in population databases (gnomAD no frequency). Disruption of this splice site has been observed in individuals with homocystinuria (PMID: 9232191, 24211323). It has also been observed to segregate with disease in related individuals. This variant is also known as gt>at splice site mutation in intron 12. ClinVar contains an entry for this variant (Variation ID: 189081). Algorithms developed to predict the effect of sequence changes on RNA splicing suggest that this variant may disrupt the consensus splice site. For these reasons, this variant has been classified as Pathogenic.

Counsyl
Classification: Likely pathogenic for Homocystinuria due to CBS deficiency. Last evaluated: 2014-12-09. Review status: no assertion criteria provided. Collection method: literature only. Allele origin: unknown. Inheritance: Autosomal recessive inheritance. Not counted in ClinVar's aggregate classification.

Literature cited by the submitters: PubMed 24211323 (cited by 3 submitters); PubMed 9232191 (cited by 3 submitters); PubMed 16199547 (cited by Labcorp Genetics (formerly Invitae), Labcorp); PubMed 10338090 (cited by Labcorp Genetics (formerly Invitae), Labcorp); PubMed 12124992 (cited by Labcorp Genetics (formerly Invitae), Labcorp).